The following is an entry in ClinVar:

NM_012330.4(KAT6B):c.5204T>C (p.Leu1735Pro)

Gene: KAT6B (lysine acetyltransferase 6B; plus strand). Cytogenetic location: 10q22.2.
Variant type: single nucleotide variant.
Coding change: c.5204T>C on transcript NM_012330.4 (MANE Select); coding-DNA position 5204, T replaced by C.
Protein change: p.Leu1735Pro; replaces leucine 1735 with proline.
Molecular consequence: missense variant.
Genome position (GRCh38, 1-based): chr10:75,030,028, T>C. VCF-style: chr10-75030028-T-C. GRCh37 (hg19) VCF-style: chr10-76789786-T-C.
Other names: c.5204T>C (NM_012330.2); c.4655T>C, p.Leu1552Pro (NM_001256468.2, NM_001370138.1); c.4328T>C, p.Leu1443Pro (NM_001256469.2, NM_001370139.1, NM_001370140.1 and 2 more transcripts); c.4166T>C, p.Leu1389Pro (NM_001370132.1); c.3515T>C, p.Leu1172Pro (NM_001370133.1); c.4139T>C, p.Leu1380Pro (NM_001370144.1, NM_001370143.1); c.3119T>C, p.Leu1040Pro (NM_001370134.1); c.2861T>C, p.Leu954Pro (NM_001370135.1); and 1 more; short protein forms L1040P, L1172P, L1380P, L1389P, L1443P, L1552P, L1735P, L954P.
Identifiers: ClinVar variation 3338923 (VCV003338923.3).

ClinVar aggregate classification (germline): Conflicting classifications of pathogenicity. Review status: criteria provided, conflicting classifications (1 of 4 stars). 3 submissions from 3 submitters: Uncertain significance (2); Likely benign (1). Last evaluated 2025-07-06.

Conditions:
Genitopatellar syndrome (GTPTS). Also called: Genitopatellar syndrome (GPS); ABSENT PATELLAE, SCROTAL HYPOPLASIA, RENAL ANOMALIES, FACIAL DYSMORPHISM, AND MENTAL RETARDATION. Identifiers: Orphanet 85201, MedGen C1853566, MONDO:0011640, OMIM 606170.
Inborn genetic diseases. Identifiers: MedGen C0950123, MeSH D030342.

gnomAD v4.1: 4 of 1,614,082 alleles (0.00025%); highest among the groups gnomAD compares: Non-Finnish European, 0.00034%; no homozygotes.

Submissions (3):

Labcorp Genetics (formerly Invitae), Labcorp
Classification: Uncertain significance for Genitopatellar syndrome. Last evaluated: 2025-07-06. Review status: criteria provided, single submitter. Criteria: Invitae Variant Classification Sherloc (09022015). Collection method: clinical testing. Allele origin: germline.
Comment: This sequence change replaces leucine, which is neutral and non-polar, with proline, which is neutral and non-polar, at codon 1735 of the KAT6B protein (p.Leu1735Pro). This variant is present in population databases (rs758028232, gnomAD 0.003%). This variant has not been reported in the literature in individuals affected with KAT6B-related conditions. ClinVar contains an entry for this variant (Variation ID: 3338923). Invitae Evidence Modeling of protein sequence and biophysical properties (such as structural, functional, and spatial information, amino acid conservation, physicochemical variation, residue mobility, and thermodynamic stability) indicates that this missense variant is not expected to disrupt KAT6B protein function with a negative predictive value of 80%. In summary, the available evidence is currently insufficient to determine the role of this variant in disease. Therefore, it has been classified as a Variant of Uncertain Significance.

Ambry Genetics
Classification: Likely benign for Inborn genetic diseases. Last evaluated: 2024-12-03. Review status: criteria provided, single submitter. Criteria: Ambry Variant Classification Scheme 2023. Collection method: clinical testing. Allele origin: germline.

Women's Health and Genetics/Laboratory Corporation of America, LabCorp
Classification: Uncertain significance. Last evaluated: 2024-07-12. Review status: criteria provided, single submitter. Criteria: LabCorp Variant Classification Summary - May 2015. Collection method: clinical testing. Allele origin: germline.
Comment: Variant summary: KAT6B c.5204T>C (p.Leu1735Pro) results in a non-conservative amino acid change in the encoded protein sequence. Four of five in-silico tools predict a damaging effect of the variant on protein function. The variant allele was found at a frequency of 1.2e-05 in 250280 control chromosomes. The available data on variant occurrences in the general population are insufficient to allow any conclusion about variant significance. To our knowledge, no occurrence of c.5204T>C in individuals affected with KAT6B-Related Spectrum Disorders and no experimental evidence demonstrating its impact on protein function have been reported. No submitters have cited clinical-significance assessments for this variant to ClinVar. Based on the evidence outlined above, the variant was classified as uncertain significance.